The following is an entry in ClinVar:

NM_001853.4(COL9A3):c.485C>G (p.Pro162Arg)

Gene: COL9A3 (collagen type IX alpha 3 chain; plus strand). Cytogenetic location: 20q13.33.
Variant type: single nucleotide variant.
Coding change: c.485C>G on transcript NM_001853.4 (MANE Select); coding-DNA position 485, C replaced by G.
Protein change: p.Pro162Arg; replaces proline 162 with arginine.
Molecular consequence: missense variant.
Genome position (GRCh38, 1-based): chr20:62,822,598, C>G. VCF-style: chr20-62822598-C-G. GRCh37 (hg19) VCF-style: chr20-61453950-C-G.
Other names: c.485C>G (NM_001853.3); short protein forms P162R.
Identifiers: ClinVar variation 1420197 (VCV001420197.9), dbSNP rs1026291547, ClinGen allele CA317325985.

ClinVar aggregate classification (germline): Uncertain significance. Review status: criteria provided, multiple submitters, no conflicts (2 of 4 stars). 2 submissions from 2 submitters: Uncertain significance (2). Last evaluated 2024-01-17.

Allele frequency attached by ClinVar (database versions not stated): gnomAD exomes below 0.00001; gnomAD 0.00001; TOPMed 0.00002.
gnomAD v4.1: 6 of 1,612,494 alleles (0.00037%); highest among the groups gnomAD compares: Non-Finnish European, 0.00051%; no homozygotes.

Submissions (2):

GeneDx
Classification: Uncertain significance. Last evaluated: 2024-01-17. Review status: criteria provided, single submitter. Criteria: GeneDx Variant Classification Process June 2021. Collection method: clinical testing. Allele origin: germline. Affected: yes.
Comment: Has not been previously published as pathogenic or benign to our knowledge; Not observed at significant frequency in large population cohorts (gnomAD); In silico analysis supports that this missense variant does not alter protein structure/function; In silico analysis is inconclusive as to whether the variant alters gene splicing. In the absence of RNA/functional studies, the actual effect of this sequence change is unknown.

Labcorp Genetics (formerly Invitae), Labcorp
Classification: Uncertain significance. Last evaluated: 2022-09-23. Review status: criteria provided, single submitter. Criteria: Invitae Variant Classification Sherloc (09022015). Collection method: clinical testing. Allele origin: germline.
Comment: This variant is not present in population databases (gnomAD no frequency). This sequence change replaces proline, which is neutral and non-polar, with arginine, which is basic and polar, at codon 162 of the COL9A3 protein (p.Pro162Arg). In summary, the available evidence is currently insufficient to determine the role of this variant in disease. Therefore, it has been classified as a Variant of Uncertain Significance. ClinVar contains an entry for this variant (Variation ID: 1420197). Advanced modeling of protein sequence and biophysical properties (such as structural, functional, and spatial information, amino acid conservation, physicochemical variation, residue mobility, and thermodynamic stability) performed at Invitae indicates that this missense variant is not expected to disrupt COL9A3 protein function. Algorithms developed to predict the effect of sequence changes on RNA splicing suggest that this variant may disrupt the consensus splice site. This variant has not been reported in the literature in individuals affected with COL9A3-related conditions.